The following is an entry in ClinVar:

NM_020631.6(PLEKHG5):c.1680+1G>T

Gene: PLEKHG5 (pleckstrin homology and RhoGEF domain containing G5; minus strand). Cytogenetic location: 1p36.31.
Variant type: single nucleotide variant.
Coding change: c.1680+1G>T on transcript NM_020631.6 (MANE Select); the canonical splice donor site of the intron after coding-DNA position 1680, G replaced by T.
Molecular consequence: splice donor variant.
Genome position (GRCh38, 1-based): chr1:6,470,505, C>A on the plus strand (G>T on the coding strand, the complement: PLEKHG5 is on the minus strand). VCF-style: chr1-6470505-C-A. GRCh37 (hg19) VCF-style: chr1-6530565-C-A.
Other names: c.1680+1G>T (NM_198681.4, NM_001265594.3, NM_001042664.2 and 1 more transcripts); c.1791+1G>T (NM_001042663.3, NM_001265592.2); c.1887+1G>T (NM_001265593.2).
Identifiers: ClinVar variation 2952728 (VCV002952728.3), dbSNP rs2523149242, ClinGen allele CA338124213.

ClinVar aggregate classification (germline): Likely pathogenic (1 of 4 stars; one submission).

Conditions:
Neuronopathy, distal hereditary motor, autosomal recessive 4. Also called: NEUROPATHY, DISTAL HEREDITARY MOTOR, AUTOSOMAL RECESSIVE 4; Autosomal recessive lower motor neuron disease with childhood onset. Identifiers: Orphanet 206580, MedGen C1970211, MONDO:0012608, OMIM 611067.
Charcot-Marie-Tooth disease recessive intermediate C. Also called: CHARCOT-MARIE-TOOTH NEUROPATHY, RECESSIVE INTERMEDIATE C. Identifiers: Orphanet 369867, MedGen C3809309, MONDO:0014154, OMIM 615376.

Submission:

Labcorp Genetics (formerly Invitae), Labcorp
Classification: Likely pathogenic for Neuronopathy, distal hereditary motor, autosomal recessive 4; Charcot-Marie-Tooth disease recessive intermediate C. Last evaluated: 2023-10-09. Review status: criteria provided, single submitter. Criteria: Invitae Variant Classification Sherloc (09022015). Collection method: clinical testing. Allele origin: germline.
Comment: This sequence change affects a donor splice site in intron 15 of the PLEKHG5 gene. It is expected to disrupt RNA splicing. Variants that disrupt the donor or acceptor splice site typically lead to a loss of protein function (PMID: 16199547), and loss-of-function variants in PLEKHG5 are known to be pathogenic (PMID: 17564964, 23777631). This variant is not present in population databases (gnomAD no frequency). This variant has not been reported in the literature in individuals affected with PLEKHG5-related conditions. Algorithms developed to predict the effect of sequence changes on RNA splicing suggest that this variant may disrupt the consensus splice site. In summary, the currently available evidence indicates that the variant is pathogenic, but additional data are needed to prove that conclusively. Therefore, this variant has been classified as Likely Pathogenic.

Literature cited by the submitters: PubMed 16199547; PubMed 17564964; PubMed 23777631.